The following is an entry in ClinVar:

ClinVar aggregate classification (germline): Uncertain significance (1 of 4 stars; one submission).

Conditions:
Noonan syndrome (NS). Also called: Noonan's syndrome. Identifiers: Orphanet 648, MedGen C0028326, MeSH D009634, MONDO:0018997. Disease mechanism: gain of function.

Submission:

Labcorp Genetics (formerly Invitae), Labcorp
Classification: Uncertain significance for Noonan syndrome. Last evaluated: 2022-04-11. Review status: criteria provided, single submitter. Criteria: Invitae Variant Classification Sherloc (09022015). Collection method: clinical testing. Allele origin: germline.
Comment: This variant has not been reported in the literature in individuals affected with RRAS-related conditions. This sequence change replaces histidine, which is basic and polar, with aspartic acid, which is acidic and polar, at codon 165 of the RRAS protein (p.His165Asp). This variant is not present in population databases (gnomAD no frequency). Algorithms developed to predict the effect of missense changes on protein structure and function (SIFT, PolyPhen-2, Align-GVGD) all suggest that this variant is likely to be tolerated. In summary, the available evidence is currently insufficient to determine the role of this variant in disease. Therefore, it has been classified as a Variant of Uncertain Significance.

NM_006270.5(RRAS):c.493C>G (p.His165Asp)

Gene: RRAS (RAS related; minus strand). Cytogenetic location: 19q13.33.
Variant type: single nucleotide variant.
Coding change: c.493C>G on transcript NM_006270.5 (MANE Select); coding-DNA position 493, C replaced by G.
Protein change: p.His165Asp; replaces histidine 165 with aspartic acid.
Molecular consequence: missense variant.
Genome position (GRCh38, 1-based): chr19:49,635,813, G>C on the plus strand (C>G on the coding strand, the complement: RRAS is on the minus strand). VCF-style: chr19-49635813-G-C. GRCh37 (hg19) VCF-style: chr19-50139070-G-C.
Other names: short protein forms H165D.
Identifiers: ClinVar variation 2144172 (VCV002144172.4), dbSNP rs1384244882, ClinGen allele CA406845858.